The following is an entry in ClinVar:

NM_015102.5(NPHP4):c.355C>T (p.Arg119Trp)

Gene: NPHP4 (nephrocystin 4; minus strand). Cytogenetic location: 1p36.31.
Variant type: single nucleotide variant.
Coding change: c.355C>T on transcript NM_015102.5 (MANE Select); coding-DNA position 355, C replaced by T.
Protein change: p.Arg119Trp; replaces arginine 119 with tryptophan.
Molecular consequence: missense variant. On other transcripts: 5 prime UTR variant (2), non-coding transcript variant (1).
Genome position (GRCh38, 1-based): chr1:5,969,184, G>A on the plus strand (C>T on the coding strand, the complement: NPHP4 is on the minus strand). VCF-style: chr1-5969184-G-A. GRCh37 (hg19) VCF-style: chr1-6029244-G-A.
Other names: c.355C>T (NM_015102.3); c.-875C>T (NM_001291593.2); c.-1012C>T (NM_001291594.2); short protein forms R119W.
Identifiers: ClinVar variation 593928 (VCV000593928.13), dbSNP rs772214126, ClinGen allele CA554865.

ClinVar aggregate classification (germline): Uncertain significance. Review status: criteria provided, multiple submitters, no conflicts (2 of 4 stars). 5 submissions from 5 submitters: Uncertain significance (5). Last evaluated 2025-04-23.

Conditions:
Nephronophthisis. Also called: Juvenile Nephronophthisis. Identifiers: Orphanet 655, MedGen C0687120, MONDO:0019005, HP:0000090.
Inborn genetic diseases. Identifiers: MedGen C0950123, MeSH D030342.
Nephronophthisis 4 (NPHP4). Also called: NEPHRONOPHTHISIS 4, JUVENILE. Identifiers: Orphanet 655, MedGen C1847013, MONDO:0011752, OMIM 606966.
Senior-Loken syndrome 4 (SLSN4). Identifiers: Orphanet 3156, MedGen C1846979, MONDO:0011756, OMIM 606996.

Allele frequency attached by ClinVar (database versions not stated): gnomAD 0.00001; gnomAD exomes 0.00001; TOPMed 0.00001; ExAC 0.00003.

Submissions (5):

GeneDx
Classification: Uncertain significance. Last evaluated: 2025-04-23. Review status: criteria provided, single submitter. Criteria: GeneDx Variant Classification Process June 2021. Collection method: clinical testing. Allele origin: germline. Affected: yes.
Comment: Not observed at significant frequency in large population cohorts (gnomAD); In silico analysis indicates that this missense variant does not alter protein structure/function; Has not been previously published as pathogenic or benign to our knowledge

Ambry Genetics
Classification: Uncertain significance for Inborn genetic diseases. Last evaluated: 2025-01-22. Review status: criteria provided, single submitter. Criteria: Ambry Variant Classification Scheme 2023. Collection method: clinical testing. Allele origin: germline.

Fulgent Genetics
Classification: Uncertain significance for Nephronophthisis 4; Senior-Loken syndrome 4. Last evaluated: 2022-01-12. Review status: criteria provided, single submitter. Criteria: ACMG Guidelines, 2015. Collection method: clinical testing. Allele origin: unknown.

Labcorp Genetics (formerly Invitae), Labcorp
Classification: Uncertain significance for Nephronophthisis. Last evaluated: 2021-06-08. Review status: criteria provided, single submitter. Criteria: Invitae Variant Classification Sherloc (09022015). Collection method: clinical testing. Allele origin: germline.
Comment: In summary, the available evidence is currently insufficient to determine the role of this variant in disease. Therefore, it has been classified as a Variant of Uncertain Significance. Algorithms developed to predict the effect of missense changes on protein structure and function are either unavailable or do not agree on the potential impact of this missense change (SIFT: "Deleterious"; PolyPhen-2: "Benign"; Align-GVGD: "Class C0"). This variant has not been reported in the literature in individuals with NPHP4-related conditions. ClinVar contains an entry for this variant (Variation ID: 593928). This variant is present in population databases (rs772214126, ExAC 0.007%). This sequence change replaces arginine with tryptophan at codon 119 of the NPHP4 protein (p.Arg119Trp). The arginine residue is moderately conserved and there is a moderate physicochemical difference between arginine and tryptophan.

Eurofins Ntd Llc (ga)
Classification: Uncertain significance. Last evaluated: 2017-09-05. Review status: criteria provided, single submitter. Criteria: EGL Classification Definitions 2015. Collection method: clinical testing. Allele origin: germline. Observed: 1 variant allele, 1 heterozygote.